The following is an entry in ClinVar:

ClinVar aggregate classification (germline): Likely benign (1 of 4 stars; one submission).

Conditions:
AP2M1-related disorder. Also called: AP2M1-related condition.

gnomAD v4.1: 156 of 1,536,110 alleles (0.01%); highest among the groups gnomAD compares: African/African-American, 0.19%; no homozygotes.

Submission:

PreventionGenetics, part of Exact Sciences
Classification: Likely benign for AP2M1-related condition. Last evaluated: 2025-12-27. Review status: criteria provided, single submitter. Criteria: ACMG Guidelines, 2015. Collection method: clinical testing. Allele origin: germline.
Comment: This variant is classified as likely benign based on ACMG/AMP sequence variant interpretation guidelines (Richards et al. 2015 PMID: 25741868, with internal and published modifications).

NM_004068.4(AP2M1):c.75-625C>T

Gene: AP2M1 (adaptor related protein complex 2 subunit mu 1; plus strand). Cytogenetic location: 3q27.1.
Variant type: single nucleotide variant.
Coding change: c.75-625C>T on transcript NM_004068.4 (MANE Select); 625 bases into the intron before coding-DNA position 75, C replaced by T.
Molecular consequence: intron variant.
Genome position (GRCh38, 1-based): chr3:184,178,232, C>T. VCF-style: chr3-184178232-C-T. GRCh37 (hg19) VCF-style: chr3-183896020-C-T.
Other names: c.149+9C>T (NM_001311198.2); c.75-625C>T (NM_001025205.2).
Identifiers: ClinVar variation 4995652 (VCV004995652.1).